The following is an entry in ClinVar:

ClinVar aggregate classification (germline): Conflicting classifications of pathogenicity. Review status: criteria provided, conflicting classifications (1 of 4 stars). 2 submissions from 2 submitters: Uncertain significance (1); Benign (1). Last evaluated 2025-09-10.

Conditions:
Inborn genetic diseases. Identifiers: MedGen C0950123, MeSH D030342.
Pseudohypoaldosteronism type 2B (PHA2B). Also called: Pseudohypoaldosteronism Type IIB. Identifiers: Orphanet 757, Orphanet 88939, MedGen C1840390, MONDO:0013777, OMIM 614491.

Allele frequency attached by ClinVar (database versions not stated): gnomAD below 0.00001 and 0.00004; gnomAD exomes 0.00005 and 0.00008; ExAC 0.00012; 1000 Genomes Project 0.00040; 1000 Genomes Project 30x 0.00047.
gnomAD v4.1: 72 of 1,523,030 alleles (0.0047%); highest among the groups gnomAD compares: South Asian, 0.073%; no homozygotes.

Submissions (2):

Ambry Genetics
Classification: Uncertain significance for Inborn genetic diseases. Last evaluated: 2025-09-10. Review status: criteria provided, single submitter. Criteria: Ambry Variant Classification Scheme 2023. Collection method: clinical testing. Allele origin: germline.

Illumina Laboratory Services, Illumina
Classification: Benign for Pseudohypoaldosteronism type 2B. Last evaluated: 2018-01-13. Review status: criteria provided, single submitter. Criteria: ICSL Variant Classification Criteria 13 December 2019. Collection method: clinical testing. Allele origin: germline.
Comment: This variant was observed in the ICSL laboratory as part of a predisposition screen in an ostensibly healthy population. It had not been previously curated by ICSL or reported in the Human Gene Mutation Database (HGMD: prior to June 1st, 2018), and was therefore a candidate for classification through an automated scoring system. Utilizing variant allele frequency, disease prevalence and penetrance estimates, and inheritance mode, an automated score was calculated to assess if this variant is too frequent to cause the disease. Based on the score and internal cut-off values, a variant classified as benign is not then subjected to further curation. The score for this variant resulted in a classification of benign for this disease.

NM_032387.5(WNK4):c.2588T>G (p.Leu863Arg)

Gene: WNK4 (WNK lysine deficient protein kinase 4; plus strand). Cytogenetic location: 17q21.2.
Variant type: single nucleotide variant.
Coding change: c.2588T>G on transcript NM_032387.5 (MANE Select); coding-DNA position 2588, T replaced by G.
Protein change: p.Leu863Arg; replaces leucine 863 with arginine.
Molecular consequence: missense variant.
Genome position (GRCh38, 1-based): chr17:42,795,009, T>G. VCF-style: chr17-42795009-T-G. GRCh37 (hg19) VCF-style: chr17-40947027-T-G.
Other names: c.1580T>G, p.Leu527Arg (NM_001321299.2); short protein forms L863R, L527R.
Identifiers: ClinVar variation 323341 (VCV000323341.6), dbSNP rs545588214, ClinGen allele CA8584404.